The following is an entry in ClinVar:

ClinVar aggregate classification (germline): Uncertain significance. Review status: criteria provided, multiple submitters, no conflicts (2 of 4 stars). 3 submissions from 3 submitters: Uncertain significance (3). Last evaluated 2025-11-06.

Allele frequency attached by ClinVar (database versions not stated): gnomAD exomes 0.00001.

Submissions (3):

Women's Health and Genetics/Laboratory Corporation of America, LabCorp
Classification: Uncertain significance. Last evaluated: 2025-11-06. Review status: criteria provided, single submitter. Criteria: LabCorp Variant Classification Summary - May 2015. Collection method: clinical testing. Allele origin: germline.
Comment: Variant summary: HBB c.-83G>A affects a non-conserved nucleotide that is located in the untranscribed region, two nucleotides upstream to the conserved ATAAA sequence (i.e. the TATA box) of the HBB gene (see e.g. PMIDs 3002527, 32033288). The variant was absent in 31390 control chromosomes. The available data on variant occurrences in the general population are insufficient to allow any conclusion about variant significance. c.-83G>A has been reported in the literature as a heterozygous genotype in a setting of HBB gene testing in individuals who were suspected beta-thalassemia carriers and were asymptomatic or had mild anemia (Xinh_2022). This report does not provide unequivocal conclusions about association of the variant with Hemoglobinopathy. To our knowledge, no experimental evidence demonstrating an impact on protein function has been reported. The following publication has been ascertained in the context of this evaluation (PMID: 35023007). ClinVar contains an entry for this variant (Variation ID: 2506214). Based on the evidence outlined above, the variant was classified as uncertain significance.

ARUP Laboratories, Molecular Genetics and Genomics, ARUP Laboratories
Classification: Uncertain significance. Last evaluated: 2024-09-10. Review status: criteria provided, single submitter. Criteria: ARUP Molecular Germline Variant Investigation Process 2024. Collection method: clinical testing. Allele origin: germline.
Comment: The HBB c.-83G>A variant (rs1160543272, ClinVar Variation ID: 2506214) is reported in the literature in individuals with suspected beta-thalassemia who were either asymptomatic carriers or had mild anemia (Xinh 2022). Additionally, this variant has been reported in an individual with mild microcytic anemia that also carried the common alpha-thalassemia 3.7kb deletion (Cadet 2009). This variant is absent from the Genome Aggregation Database (v2.1.1), indicating it is not a common polymorphism. This variant occurs in the 5' untranslated region and does not create a novel protein translation start codon. However, this variant is two nucleotides upstream of the ATAA box of the beta globin promoter. Due to limited information, the clinical significance of this variant is uncertain at this time. References: Cadet E et al. First identification of a point mutation at position -83 (G>A) of the beta-globin gene promoter. Hemoglobin. 2009;33(3):274-8. PMID: 19657844. Xinh PT et al. Spectrum of HBB gene mutations among 696 beta-thalassemia patients and carriers in Southern Vietnam. Mol Biol Rep. 2022 Apr;49(4):2601-2606. PMID: 35023007.

Quest Diagnostics Nichols Institute San Juan Capistrano
Classification: Uncertain significance. Last evaluated: 2023-09-13. Review status: criteria provided, single submitter. Criteria: Quest Diagnostics criteria. Collection method: clinical testing. Allele origin: unknown.
Comment: The HBB c.-83G>A variant has been reported in the published literature in individuals with ß-thalassemia or ß-thalassemia carriers who had symptomatic or mild anemia (PMID: 35023007(2022)). This variant has not been reported in large, multi-ethnic general populations (Genome Aggregation Database). Based on the available information, we are unable to determine the clinical significance of this variant.

Literature cited by the submitters: PubMed 35023007 (cited by Women's Health and Genetics/Laboratory Corporation of America, LabCorp and Quest Diagnostics Nichols Institute San Juan Capistrano).

NM_000518.5(HBB):c.-83G>A

Genes: HBB (hemoglobin subunit beta; minus strand), LOC106099062 (HBB recombination region; plus strand), LOC107133510 (origin of replication at HBB; plus strand). Cytogenetic location: 11p15.4.
Variant type: single nucleotide variant.
Coding change: c.-83G>A on transcript NM_000518.5 (MANE Select); 83 bases upstream of the start codon, G replaced by A.
Genome position (GRCh38, 1-based): chr11:5,227,104, C>T on the plus strand (G>A on the coding strand, the complement: HBB is on the minus strand). VCF-style: chr11-5227104-C-T. GRCh37 (hg19) VCF-style: chr11-5248334-C-T.
Identifiers: ClinVar variation 2506214 (VCV002506214.6), dbSNP rs1160543272, ClinGen allele CA677538209.